The following is an entry in ClinVar:

ClinVar aggregate classification (germline): Uncertain significance. Review status: criteria provided, multiple submitters, no conflicts (2 of 4 stars). 2 submissions from 2 submitters: Uncertain significance (2). Last evaluated 2025-10-01.

gnomAD v4.1: 1 of 1,492,604 alleles (0.000067%); highest among the groups gnomAD compares: African/African-American, 0.0014%; no homozygotes.

Submissions (2):

Ambry Genetics
Classification: Uncertain significance. Last evaluated: 2025-10-01. Review status: criteria provided, single submitter. Criteria: Ambry Variant Classification Scheme 2023. Collection method: clinical testing. Allele origin: germline.
Comment: The p.K553T variant (also known as c.1658A>C), located in coding exon 17 of the SRP72 gene, results from an A to C substitution at nucleotide position 1658. The lysine at codon 553 is replaced by threonine, an amino acid with similar properties. This amino acid position is conserved. In addition, the in silico prediction for this alteration is inconclusive. Based on the available evidence, the clinical significance of this variant remains unclear.

Labcorp Genetics (formerly Invitae), Labcorp
Classification: Uncertain significance. Last evaluated: 2025-05-18. Review status: criteria provided, single submitter. Criteria: Invitae Variant Classification Sherloc (09022015). Collection method: clinical testing. Allele origin: germline.
Comment: This sequence change replaces lysine, which is basic and polar, with threonine, which is neutral and polar, at codon 553 of the SRP72 protein (p.Lys553Thr). This variant is not present in population databases (gnomAD no frequency). This variant has not been reported in the literature in individuals affected with SRP72-related conditions. Invitae Evidence Modeling of protein sequence and biophysical properties (such as structural, functional, and spatial information, amino acid conservation, physicochemical variation, residue mobility, and thermodynamic stability) indicates that this missense variant is not expected to disrupt SRP72 protein function with a negative predictive value of 80%. In summary, the available evidence is currently insufficient to determine the role of this variant in disease. Therefore, it has been classified as a Variant of Uncertain Significance.

NM_006947.4(SRP72):c.1658A>C (p.Lys553Thr)

Gene: SRP72 (signal recognition particle 72; plus strand). Cytogenetic location: 4q12.
Variant type: single nucleotide variant.
Coding change: c.1658A>C on transcript NM_006947.4 (MANE Select); coding-DNA position 1658, A replaced by C.
Protein change: p.Lys553Thr; replaces lysine 553 with threonine.
Molecular consequence: missense variant. On other transcripts: non-coding transcript variant (1).
Genome position (GRCh38, 1-based): chr4:56,495,374, A>C. VCF-style: chr4-56495374-A-C. GRCh37 (hg19) VCF-style: chr4-57361540-A-C.
Other names: c.1475A>C, p.Lys492Thr (NM_001267722.2); short protein forms K492T, K553T.
Identifiers: ClinVar variation 4589587 (VCV004589587.2).
Genomic context (GRCh38, chr4:56,495,374, plus strand): 5'-ATTTTATCACAAAGATGGTAATGATTTTTTTTTCTCTTTGTAGACAGGGAGATTTGAAAA[A>C]GAAGAAAAAGAAAAAGAAGGGTAAGGCATTAAAAAAGTCTTTATAAATTTTCTCCAAAAT-3'
Protein context (NP_008878.3, residues 543-563): PKEQGQGDLK[Lys553Thr]KKKKKKGKLP